The following is an entry in ClinVar:

ClinVar aggregate classification (germline): Benign. Review status: criteria provided, multiple submitters, no conflicts (2 of 4 stars). 2 submissions from 2 submitters: Benign (2). Last evaluated 2018-06-14.

Allele frequency attached by ClinVar (database versions not stated): gnomAD exomes 0.00182; gnomAD 0.02065 and 0.02200; TOPMed 0.02331; 1000 Genomes Project 0.02636; 1000 Genomes Project 30x 0.02904.
gnomAD v4.1: 5,432 of 1,356,672 alleles (0.4%); highest among the groups gnomAD compares: African/African-American, 6.9%; 178 homozygotes.

Submissions (2):

GeneDx
Classification: Benign. Last evaluated: 2018-06-14. Review status: criteria provided, single submitter. Criteria: GeneDx Variant Classification (06012015). Collection method: clinical testing. Allele origin: germline. Affected: yes.
Comment: This variant is considered likely benign or benign based on one or more of the following criteria: it is a conservative change, it occurs at a poorly conserved position in the protein, it is predicted to be benign by multiple in silico algorithms, and/or has population frequency not consistent with disease.

Breakthrough Genomics
Classification: Benign. Review status: criteria provided, single submitter. Criteria: ACMG Guidelines, 2015. Collection method: not provided. Allele origin: germline. Inheritance: Autosomal recessive inheritance. Affected: yes.

NM_020247.5(COQ8A):c.1660-99T>C

Gene: COQ8A (coenzyme Q8A; plus strand). Cytogenetic location: 1q42.13.
Variant type: single nucleotide variant.
Coding change: c.1660-99T>C on transcript NM_020247.5 (MANE Select); 99 bases into the intron before coding-DNA position 1660, T replaced by C.
Molecular consequence: intron variant.
Genome position (GRCh38, 1-based): chr1:226,986,354, T>C. VCF-style: chr1-226986354-T-C. GRCh37 (hg19) VCF-style: chr1-227174055-T-C.
Identifiers: ClinVar variation 676938 (VCV000676938.2), dbSNP rs75146933, ClinGen allele CA38655664.